The following is an entry in ClinVar:

ClinVar aggregate classification (germline): Uncertain significance (1 of 4 stars; one submission).

Conditions:
Inborn genetic diseases. Identifiers: MedGen C0950123, MeSH D030342.

Allele frequency attached by ClinVar (database versions not stated): gnomAD exomes 0.00001.
gnomAD v4.1: 5 of 1,613,980 alleles (0.00031%); highest among the groups gnomAD compares: South Asian, 0.0044%; no homozygotes.

Submission:

Ambry Genetics
Classification: Uncertain significance for Inborn genetic diseases. Last evaluated: 2021-10-20. Review status: criteria provided, single submitter. Criteria: Ambry Variant Classification Scheme 2023. Collection method: clinical testing. Allele origin: germline.
Comment: The c.455A>T (p.N152I) alteration is located in exon 6 (coding exon 4) of the ANKRD11 gene. This alteration results from an A to T substitution at nucleotide position 455, causing the asparagine (N) at amino acid position 152 to be replaced by an isoleucine (I). Based on data from gnomAD, the T allele has an overall frequency of <0.01% (2/251448) total alleles studied. The highest observed frequency was 0.01% (2/30616) of South Asian alleles. This amino acid position is not well conserved in available vertebrate species. This alteration is predicted to be tolerated by in silico analysis. Based on insufficient or conflicting evidence, the clinical significance of this alteration remains unclear.

NM_013275.6(ANKRD11):c.455A>T (p.Asn152Ile)

Gene: ANKRD11 (ankyrin repeat domain containing 11; minus strand). Cytogenetic location: 16q24.3.
Variant type: single nucleotide variant.
Coding change: c.455A>T on transcript NM_013275.6 (MANE Select); coding-DNA position 455, A replaced by T.
Protein change: p.Asn152Ile; replaces asparagine 152 with isoleucine.
Molecular consequence: missense variant. On other transcripts: non-coding transcript variant (1).
Genome position (GRCh38, 1-based): chr16:89,290,771, T>A on the plus strand (A>T on the coding strand, the complement: ANKRD11 is on the minus strand). VCF-style: chr16-89290771-T-A. GRCh37 (hg19) VCF-style: chr16-89357179-T-A.
Other names: c.455A>T, p.Asn152Ile (NM_001256182.2, NM_001256183.2); short protein forms N152I.
Identifiers: ClinVar variation 2256112 (VCV002256112.2), dbSNP rs1030382137, ClinGen allele CA397167419.
Genomic context (GRCh38, chr16:89,290,771, plus strand): 5'-AGGCGGGTCTCTCCACGCTCGTTTCTCTTGTTCACTTTATCTTTGGTTTTTGAGGCAGAG[T>A]TGGGCGTTCCCTTCTGACACACTGTAGACTGGGAGGGGTGCTTTGGTGTTGTGTCCACTG-3'
Protein context (NP_037407.4, residues 142-162): QSTVCQKGTP[Asn152Ile]SASKTKDKVN